The following is an entry in ClinVar:

ClinVar aggregate classification (germline): Likely pathogenic (1 of 4 stars; one submission).

Submission:

GeneDx
Classification: Likely pathogenic. Last evaluated: 2023-05-09. Review status: criteria provided, single submitter. Criteria: GeneDx Variant Classification Process June 2021. Collection method: clinical testing. Allele origin: germline. Affected: yes.
Comment: Not observed at significant frequency in large population cohorts (gnomAD); In silico analysis supports that this missense variant has a deleterious effect on protein structure/function; Missense variants in this gene are often considered pathogenic (HGMD); Has not been previously published as pathogenic or benign to our knowledge

NM_001165963.4(SCN1A):c.4436T>C (p.Ile1479Thr)

Genes: SCN1A (sodium voltage-gated channel alpha subunit 1; minus strand), LOC102724058 (uncharacterized LOC102724058; plus strand). Cytogenetic location: 2q24.3.
Variant type: single nucleotide variant.
Coding change: c.4436T>C on transcript NM_001165963.4 (MANE Select); coding-DNA position 4436, T replaced by C.
Protein change: p.Ile1479Thr; replaces isoleucine 1479 with threonine.
Molecular consequence: missense variant. On other transcripts: non-coding transcript variant (1).
Genome position (GRCh38, 1-based): chr2:165,998,078, A>G on the plus strand (T>C on the coding strand, the complement: SCN1A is on the minus strand). VCF-style: chr2-165998078-A-G. GRCh37 (hg19) VCF-style: chr2-166854588-A-G.
Other names: c.4352T>C, p.Ile1451Thr (NM_001165964.3, NM_001353957.2, NM_001353958.2); c.4436T>C, p.Ile1479Thr (NM_001202435.3, NM_001353948.2); c.4403T>C, p.Ile1468Thr (NM_001353949.2, NM_001353950.2, NM_001353951.2 and 2 more transcripts); c.4400T>C, p.Ile1467Thr (NM_001353954.2, NM_001353955.2); c.4349T>C, p.Ile1450Thr (NM_001353960.2); c.1994T>C, p.Ile665Thr (NM_001353961.2); short protein forms I1450T, I1451T, I1467T, I1468T, I1479T, I665T.
Identifiers: ClinVar variation 2502135 (VCV002502135.1), dbSNP rs2468393912, ClinGen allele CA349049255.